The following is an entry in ClinVar:

NM_001354712.2(THRB):c.1302C>A (p.Cys434Ter)

Gene: THRB (thyroid hormone receptor beta; minus strand). Cytogenetic location: 3p24.2.
Variant type: single nucleotide variant.
Coding change: c.1302C>A on transcript NM_001354712.2 (MANE Select); coding-DNA position 1302, C replaced by A.
Protein change: p.Cys434Ter; replaces cysteine 434 with a stop codon.
Molecular consequence: nonsense.
Genome position (GRCh38, 1-based): chr3:24,122,968, G>T on the plus strand (C>A on the coding strand, the complement: THRB is on the minus strand). VCF-style: chr3-24122968-G-T. GRCh37 (hg19) VCF-style: chr3-24164459-G-T.
Other names: c.1302C>A, p.Cys434Ter (NM_000461.5, NM_001128176.3, NM_001128177.2 and 6 more transcripts); c.1209C>A, p.Cys403Ter (NM_001354714.2, NM_001354715.2); short protein forms C434*, C403*.
Identifiers: ClinVar variation 12565 (VCV000012565.3), dbSNP rs121918705, ClinGen allele CA122507.

ClinVar aggregate classification (germline): Pathogenic. Review status: criteria provided, single submitter (1 of 4 stars). 3 submissions from 3 submitters: Pathogenic (1). 2 of the submissions do not count toward it. Last evaluated 2017-11-27.

Conditions:
Thyroid hormone resistance, generalized, autosomal dominant (GRTHD). Also called: HYPERTHYROXINEMIA, FAMILIAL EUTHYROID, SECONDARY TO PITUITARY AND PERIPHERAL RESISTANCE TO THYROID HORMONES. Identifiers: MedGen C2937288, MONDO:0008569, OMIM 188570.

Submissions (3):

GeneDx
Classification: Pathogenic. Last evaluated: 2017-11-27. Review status: criteria provided, single submitter. Criteria: GeneDx Variant Classification (06012015). Collection method: clinical testing. Allele origin: germline. Affected: yes.
Comment: The C434X variant in the THRB gene has been reported previously in an individual with resistance to thyroid hormone and severe intellectual disability (Behr et al., 1997). This variant is predicted to cause loss of normal protein function through protein truncation, as the last 28 amino acids are lost. Functional studies demonstrate a damaging effect with dominant negative activity, silencing of basal gene transcription, and abnormal DNA-binding properties (Behr et al., 1997). The C434X variant is not observed in large population cohorts (Lek et al., 2016). We interpret C434X as a pathogenic variant.

Clinical Molecular Genetics Laboratory, Johns Hopkins All Children's Hospital
Classification: Pathogenic for Thyroid hormone resistance, generalized, autosomal dominant. Last evaluated: 2011-05-05. Review status: no assertion criteria provided. Collection method: clinical testing. Allele origin: germline. Affected: yes. Not counted in ClinVar's aggregate classification.

OMIM
Classification: Pathogenic for THYROID HORMONE RESISTANCE, GENERALIZED, AUTOSOMAL DOMINANT. Last evaluated: 1997-04-01. Review status: no assertion criteria provided. Collection method: literature only. Allele origin: germline. Not counted in ClinVar's aggregate classification.

Literature cited by the submitters: PubMed 9100577 (cited by OMIM).